The following is an entry in ClinVar:

NM_000097.7(CPOX):c.349G>A (p.Glu117Lys)

Genes: CPOX (coproporphyrinogen oxidase; minus strand), LOC129937121 (ATAC-STARR-seq lymphoblastoid silent region 14560; plus strand). Cytogenetic location: 3q11.2.
Variant type: single nucleotide variant.
Coding change: c.349G>A on transcript NM_000097.7 (MANE Select); coding-DNA position 349, G replaced by A.
Protein change: p.Glu117Lys; replaces glutamic acid 117 with lysine.
Molecular consequence: missense variant.
Genome position (GRCh38, 1-based): chr3:98,593,156, C>T on the plus strand (G>A on the coding strand, the complement: CPOX is on the minus strand). VCF-style: chr3-98593156-C-T. GRCh37 (hg19) VCF-style: chr3-98312000-C-T.
Other names: short protein forms E117K.
Identifiers: ClinVar variation 2010340 (VCV002010340.4), dbSNP rs769874644, ClinGen allele CA353646666.

ClinVar aggregate classification (germline): Uncertain significance (1 of 4 stars; one submission).

Submission:

Labcorp Genetics (formerly Invitae), Labcorp
Classification: Uncertain significance. Last evaluated: 2022-11-01. Review status: criteria provided, single submitter. Criteria: Invitae Variant Classification Sherloc (09022015). Collection method: clinical testing. Allele origin: germline.
Comment: In summary, the available evidence is currently insufficient to determine the role of this variant in disease. Therefore, it has been classified as a Variant of Uncertain Significance. Algorithms developed to predict the effect of missense changes on protein structure and function (SIFT, PolyPhen-2, Align-GVGD) all suggest that this variant is likely to be tolerated. This variant has not been reported in the literature in individuals affected with CPOX-related conditions. This variant is not present in population databases (gnomAD no frequency). This sequence change replaces glutamic acid, which is acidic and polar, with lysine, which is basic and polar, at codon 117 of the CPOX protein (p.Glu117Lys).